The following is an entry in ClinVar:

ClinVar aggregate classification (germline): Uncertain significance. Review status: criteria provided, multiple submitters, no conflicts (2 of 4 stars). 2 submissions from 2 submitters: Uncertain significance (2). Last evaluated 2024-10-17.

Conditions:
Inborn genetic diseases. Identifiers: MedGen C0950123, MeSH D030342.
Familial hemophagocytic lymphohistiocytosis 3 (FHL3). Also called: UNC13D-Related Familial Hemophagocytic Lymphohistiocytosis (UNC13D-fHLH). Identifiers: Orphanet 540, MedGen C1837174, MONDO:0012146, OMIM 608898.

gnomAD v4.1: 42 of 1,604,404 alleles (0.0026%); highest among the groups gnomAD compares: East Asian, 0.036%; no homozygotes.

Submissions (2):

Labcorp Genetics (formerly Invitae), Labcorp
Classification: Uncertain significance for Familial hemophagocytic lymphohistiocytosis 3. Last evaluated: 2024-10-17. Review status: criteria provided, single submitter. Criteria: Invitae Variant Classification Sherloc (09022015). Collection method: clinical testing. Allele origin: germline.
Comment: This sequence change replaces arginine, which is basic and polar, with histidine, which is basic and polar, at codon 993 of the UNC13D protein (p.Arg993His). The frequency data for this variant in the population databases is considered unreliable, as metrics indicate poor data quality at this position in the gnomAD database. This variant has not been reported in the literature in individuals affected with UNC13D-related conditions. Invitae Evidence Modeling of protein sequence and biophysical properties (such as structural, functional, and spatial information, amino acid conservation, physicochemical variation, residue mobility, and thermodynamic stability) indicates that this missense variant is not expected to disrupt UNC13D protein function with a negative predictive value of 80%. In summary, the available evidence is currently insufficient to determine the role of this variant in disease. Therefore, it has been classified as a Variant of Uncertain Significance.

Ambry Genetics
Classification: Uncertain significance for Inborn genetic diseases. Last evaluated: 2024-06-28. Review status: criteria provided, single submitter. Criteria: Ambry Variant Classification Scheme 2023. Collection method: clinical testing. Allele origin: germline.

NM_199242.3(UNC13D):c.2978G>A (p.Arg993His)

Gene: UNC13D (unc-13 homolog D; minus strand). Cytogenetic location: 17q25.1.
Variant type: single nucleotide variant.
Coding change: c.2978G>A on transcript NM_199242.3 (MANE Select); coding-DNA position 2978, G replaced by A.
Protein change: p.Arg993His; replaces arginine 993 with histidine.
Molecular consequence: missense variant.
Genome position (GRCh38, 1-based): chr17:75,828,960, C>T on the plus strand (G>A on the coding strand, the complement: UNC13D is on the minus strand). VCF-style: chr17-75828960-C-T. GRCh37 (hg19) VCF-style: chr17-73825041-C-T.
Other names: short protein forms R993H.
Identifiers: ClinVar variation 3466010 (VCV003466010.2).